The following is an entry in ClinVar:

ClinVar aggregate classification (germline): Conflicting classifications of pathogenicity. Review status: criteria provided, conflicting classifications (1 of 4 stars). 2 submissions from 2 submitters: Uncertain significance (1); Likely benign (1). Last evaluated 2021-06-30.

Conditions:
Cardiovascular phenotype. Identifiers: MedGen CN230736.

Allele frequency attached by ClinVar (database versions not stated): TOPMed 0.00004.
gnomAD v4.1: 24 of 1,614,062 alleles (0.0015%); highest among the groups gnomAD compares: East Asian, 0.016%; no homozygotes.

Submissions (2):

Ambry Genetics
Classification: Likely benign for Cardiovascular phenotype. Last evaluated: 2021-06-30. Review status: criteria provided, single submitter. Criteria: Ambry Variant Classification Scheme 2023. Collection method: clinical testing. Allele origin: germline.

GeneDx
Classification: Uncertain significance. Last evaluated: 2018-05-03. Review status: criteria provided, single submitter. Criteria: GeneDx Variant Classification (06012015). Collection method: clinical testing. Allele origin: germline. Affected: yes.
Comment: The R1588X variant has not been published as a pathogenic variant, but it has been reported as heterozygous in one healthy control individual (Le Scouarnec et al., 2015). Additionally, the R1588X variant is observed in 8/18862 (0.04%) alleles from individuals of East Asian background in large population cohorts (Lek et al., 2016). This variant is predicted to cause loss of normal protein function through protein truncation as the last 369 amino acids of the protein are absent due to the introduction of a premature termination codon in the 3'-terminal exon. However, no downstream nonsense or truncation variants have been reported in the Human Genome Mutation Database (HGMD), and the vast majority of pathogenic variants reported in SCN10A are missense substitutions (Stenson et al., 2014). Therefore, based on the currently available information, it is unclear whether this variant is a pathogenic variant or a rare benign variant.

NM_006514.4(SCN10A):c.4762C>T (p.Arg1588Ter)

Gene: SCN10A (sodium voltage-gated channel alpha subunit 10; minus strand). Cytogenetic location: 3p22.2.
Variant type: single nucleotide variant.
Coding change: c.4762C>T on transcript NM_006514.4 (MANE Select); coding-DNA position 4762, C replaced by T.
Protein change: p.Arg1588Ter; replaces arginine 1588 with a stop codon.
Molecular consequence: nonsense.
Genome position (GRCh38, 1-based): chr3:38,698,458, G>A on the plus strand (C>T on the coding strand, the complement: SCN10A is on the minus strand). VCF-style: chr3-38698458-G-A. GRCh37 (hg19) VCF-style: chr3-38739949-G-A.
Other names: c.4759C>T, p.Arg1587Ter (NM_001293306.2); c.4468C>T, p.Arg1490Ter (NM_001293307.2); short protein forms R1588*, R1490*, R1587*.
Identifiers: ClinVar variation 503647 (VCV000503647.4), dbSNP rs142537392, ClinGen allele CA2319820.